The following is an entry in ClinVar:

ClinVar aggregate classification (germline): Conflicting classifications of pathogenicity. Review status: criteria provided, conflicting classifications (1 of 4 stars). 2 submissions from 2 submitters: Uncertain significance (1); Likely benign (1). Last evaluated 2025-01-19.

Allele frequency attached by ClinVar (database versions not stated): TOPMed 0.00006; gnomAD 0.00009 and 0.00011.
gnomAD v4.1: 303 of 1,613,818 alleles (0.019%); highest among the groups gnomAD compares: East Asian, 0.55%; 2 homozygotes.

Submissions (2):

Labcorp Genetics (formerly Invitae), Labcorp
Classification: Likely benign. Last evaluated: 2025-01-19. Review status: criteria provided, single submitter. Criteria: Invitae Variant Classification Sherloc (09022015). Collection method: clinical testing. Allele origin: germline.

GeneDx
Classification: Uncertain significance. Last evaluated: 2025-01-14. Review status: criteria provided, single submitter. Criteria: GeneDx Variant Classification Process June 2021. Collection method: clinical testing. Allele origin: germline. Affected: yes.
Comment: Has not been previously published as pathogenic or benign to our knowledge; In silico analysis indicates that this missense variant does not alter protein structure/function

NM_001292034.3(TAB2):c.311C>T (p.Thr104Met)

Gene: TAB2 (TGF-beta activated kinase 1 (MAP3K7) binding protein 2; plus strand). Cytogenetic location: 6q25.1.
Variant type: single nucleotide variant.
Coding change: c.311C>T on transcript NM_001292034.3 (MANE Select); coding-DNA position 311, C replaced by T.
Protein change: p.Thr104Met; replaces threonine 104 with methionine.
Molecular consequence: missense variant.
Genome position (GRCh38, 1-based): chr6:149,378,226, C>T. VCF-style: chr6-149378226-C-T. GRCh37 (hg19) VCF-style: chr6-149699362-C-T.
Other names: c.215C>T, p.Thr72Met (NM_001292035.3); c.311C>T, p.Thr104Met (NM_001369506.1, NM_015093.6); short protein forms T104M, T72M.
Identifiers: ClinVar variation 1309279 (VCV001309279.7), dbSNP rs559771770, ClinGen allele CA4041381.